The following is an entry in ClinVar:

ClinVar aggregate classification (germline): Uncertain significance (1 of 4 stars; one submission).

gnomAD v4.1: 2 of 1,211,598 alleles (0.00017%); highest among the groups gnomAD compares: Non-Finnish European, 0.00022%; no homozygotes.

Submission:

GeneDx
Classification: Uncertain significance. Last evaluated: 2024-08-21. Review status: criteria provided, single submitter. Criteria: GeneDx Variant Classification Process June 2021. Collection method: clinical testing. Allele origin: germline. Affected: yes.
Comment: Not observed at significant frequency in large population cohorts (gnomAD); In silico analysis supports that this missense variant has a deleterious effect on protein structure/function; Has not been previously published as pathogenic or benign to our knowledge

NM_020928.2(ZSWIM6):c.3644G>A (p.Gly1215Asp)

Gene: ZSWIM6 (zinc finger SWIM-type containing 6; plus strand). Cytogenetic location: 5q12.1.
Variant type: single nucleotide variant.
Coding change: c.3644G>A on transcript NM_020928.2 (MANE Select); coding-DNA position 3644, G replaced by A.
Protein change: p.Gly1215Asp; replaces glycine 1215 with aspartic acid.
Molecular consequence: missense variant.
Genome position (GRCh38, 1-based): chr5:61,544,313, G>A. VCF-style: chr5-61544313-G-A. GRCh37 (hg19) VCF-style: chr5-60840140-G-A.
Other names: short protein forms G1215D.
Identifiers: ClinVar variation 3766220 (VCV003766220.1).